The following is an entry in ClinVar:

ClinVar aggregate classification (germline): Likely benign (0 of 4 stars; one submission).

Conditions:
CYP4F2-related disorder. Also called: CYP4F2-related condition.

Allele frequency attached by ClinVar (database versions not stated): ExAC 0.00004; gnomAD exomes 0.00005; gnomAD 0.00013; 1000 Genomes Project 30x 0.00016; TOPMed 0.00018.
gnomAD v4.1: 90 of 1,594,672 alleles (0.0056%); highest among the groups gnomAD compares: Admixed American, 0.06%; no homozygotes.

Submission:

PreventionGenetics, part of Exact Sciences
Classification: Likely benign for CYP4F2-related condition. Last evaluated: 2019-06-05. Review status: no assertion criteria provided. Collection method: clinical testing. Allele origin: germline.
Comment: This variant is classified as likely benign based on ACMG/AMP sequence variant interpretation guidelines (Richards et al. 2015 PMID: 25741868, with internal and published modifications).

NM_001082.5(CYP4F2):c.240G>T (p.Leu80=)

Gene: CYP4F2 (cytochrome P450 family 4 subfamily F member 2; minus strand). Cytogenetic location: 19p13.12.
Variant type: single nucleotide variant.
Coding change: c.240G>T on transcript NM_001082.5 (MANE Select); coding-DNA position 240, G replaced by T.
Protein change: p.Leu80=; no amino-acid change (leucine 80 retained).
Molecular consequence: synonymous variant.
Genome position (GRCh38, 1-based): chr19:15,895,609, C>A on the plus strand (G>T on the coding strand, the complement: CYP4F2 is on the minus strand). VCF-style: chr19-15895609-C-A. GRCh37 (hg19) VCF-style: chr19-16006419-C-A.
Identifiers: ClinVar variation 3044148 (VCV003044148.2), dbSNP rs188418586, ClinGen allele CA9274111.